The following is an entry in ClinVar:

NM_001080.3(ALDH5A1):c.104C>G (p.Ser35Cys)

Genes: ALDH5A1 (aldehyde dehydrogenase 5 family member A1; plus strand), GPLD1 (glycosylphosphatidylinositol specific phospholipase D1; minus strand), LOC129995978 (ATAC-STARR-seq lymphoblastoid silent region 16989; plus strand). Cytogenetic location: 6p22.3.
Variant type: single nucleotide variant.
Coding change: c.104C>G on transcript NM_001080.3 (MANE Select); coding-DNA position 104, C replaced by G.
Protein change: p.Ser35Cys; replaces serine 35 with cysteine.
Molecular consequence: missense variant.
Genome position (GRCh38, 1-based): chr6:24,495,100, C>G. VCF-style: chr6-24495100-C-G. GRCh37 (hg19) VCF-style: chr6-24495328-C-G.
Other names: c.104C>G, p.Ser35Cys (NM_001368954.1, NM_170740.1); short protein forms S35C.
Identifiers: ClinVar variation 3019465 (VCV003019465.1), dbSNP rs1764662860, ClinGen allele CA362968235.

ClinVar aggregate classification (germline): Uncertain significance (1 of 4 stars; one submission).

Conditions:
Succinate-semialdehyde dehydrogenase deficiency (SSADHD). Also called: Succinic Semialdehyde Dehydrogenase Deficiency; GABA METABOLIC DEFECT; SSADH DEFICIENCY; 4-HYDROXYBUTYRIC ACIDURIA. Identifiers: Orphanet 22, MedGen C0268631, MONDO:0010083, OMIM 271980.

Allele frequency attached by ClinVar (database versions not stated): TOPMed below 0.00001.

Submission:

Labcorp Genetics (formerly Invitae), Labcorp
Classification: Uncertain significance for Succinate-semialdehyde dehydrogenase deficiency. Last evaluated: 2023-08-03. Review status: criteria provided, single submitter. Criteria: Invitae Variant Classification Sherloc (09022015). Collection method: clinical testing. Allele origin: germline.
Comment: This variant has not been reported in the literature in individuals affected with ALDH5A1-related conditions. This variant is not present in population databases (gnomAD no frequency). This sequence change replaces serine, which is neutral and polar, with cysteine, which is neutral and slightly polar, at codon 35 of the ALDH5A1 protein (p.Ser35Cys). Advanced modeling of protein sequence and biophysical properties (such as structural, functional, and spatial information, amino acid conservation, physicochemical variation, residue mobility, and thermodynamic stability) performed at Invitae indicates that this missense variant is not expected to disrupt ALDH5A1 protein function. In summary, the available evidence is currently insufficient to determine the role of this variant in disease. Therefore, it has been classified as a Variant of Uncertain Significance.